The following is an entry in ClinVar:

ClinVar aggregate classification (germline): Likely benign (0 of 4 stars; one submission).

Conditions:
CHD1L-related disorder. Also called: CHD1L-related condition.

Allele frequency attached by ClinVar (database versions not stated): ExAC 0.00015; 1000 Genomes Project 30x 0.00016; gnomAD 0.00062; ESP Exome Variant Server 0.00077.
gnomAD v4.1: 168 of 1,258,064 alleles (0.013%); highest among the groups gnomAD compares: African/African-American, 0.23%; no homozygotes.

Submission:

PreventionGenetics, part of Exact Sciences
Classification: Likely benign for CHD1L-related condition. Last evaluated: 2020-03-20. Review status: no assertion criteria provided. Collection method: clinical testing. Allele origin: germline.
Comment: This variant is classified as likely benign based on ACMG/AMP sequence variant interpretation guidelines (Richards et al. 2015 PMID: 25741868, with internal and published modifications).

NM_004284.6(CHD1L):c.23G>T (p.Ser8Ile)

Genes: CHD1L (chromodomain helicase DNA binding protein 1 like; plus strand), LOC129931354 (ATAC-STARR-seq lymphoblastoid silent region 1279; plus strand). Cytogenetic location: 1q21.1.
Variant type: single nucleotide variant.
Coding change: c.23G>T on transcript NM_004284.6 (MANE Select); coding-DNA position 23, G replaced by T.
Protein change: p.Ser8Ile; replaces serine 8 with isoleucine.
Molecular consequence: missense variant. On other transcripts: 5 prime UTR variant (16), non-coding transcript variant (16), intron variant (1).
Genome position (GRCh38, 1-based): chr1:147,242,726, G>T. VCF-style: chr1-147242726-G-T. GRCh37 (hg19) VCF-style: chr1-146714376-G-T.
Other names: c.-171G>T (NM_001256336.3); c.-291G>T (NM_001256337.3); c.23G>T, p.Ser8Ile (NM_001256338.3, NM_001348454.2); c.-204G>T (NM_001348453.2); c.-435G>T (NM_001348455.2); c.-372G>T (NM_001348456.2); c.-701G>T (NM_001348457.2); c.-732G>T (NM_001348458.2); and 10 more; short protein forms S8I.
Identifiers: ClinVar variation 3044834 (VCV003044834.2), dbSNP rs373271315, ClinGen allele CA1063115.